The following is an entry in ClinVar:

NM_001018115.3(FANCD2):c.3466+10C>T

Genes: FANCD2 (FA complementation group D2; plus strand), FANCD2OS (FANCD2 opposite strand; minus strand). Cytogenetic location: 3p25.3.
Variant type: single nucleotide variant.
Coding change: c.3466+10C>T on transcript NM_001018115.3 (MANE Select); 10 bases into the intron after coding-DNA position 3466, C replaced by T.
Molecular consequence: intron variant.
Genome position (GRCh38, 1-based): chr3:10,087,274, C>T. VCF-style: chr3-10087274-C-T. GRCh37 (hg19) VCF-style: chr3-10128958-C-T.
Other names: c.3466+10C>T (NM_001319984.2, NM_033084.6, NM_001374254.1); c.3355+10C>T (NM_001374253.1); c.*44-5743G>A (NM_173472.2).
Identifiers: ClinVar variation 698349 (VCV000698349.20), dbSNP rs200208121, ClinGen allele CA2250388.

ClinVar aggregate classification (germline): Conflicting classifications of pathogenicity. Review status: criteria provided, conflicting classifications (1 of 4 stars). 6 submissions from 6 submitters: Uncertain significance (1); Benign (2); Likely benign (1). 2 of the submissions do not count toward it. Last evaluated 2026-01-22.

Conditions:
Fanconi anemia (FA). Also called: Fanconi's anemia. Identifiers: Orphanet 84, MedGen C0015625, MeSH D005199, MONDO:0019391.
Fanconi anemia complementation group D2. Also called: FANCD2-Related Fanconi Anemia; FANCONI PANCYTOPENIA, TYPE 4; FANCONI ANEMIA, COMPLEMENTATION GROUP D. Identifiers: Orphanet 84, MedGen C3160738, MONDO:0009214, OMIM 227646.
FANCD2-related disorder. Also called: FANCD2-related condition.

Allele frequency attached by ClinVar (database versions not stated): gnomAD 0.00034 and 0.00031; 1000 Genomes Project 30x 0.00016; 1000 Genomes Project 0.00020; ExAC 0.00019; gnomAD exomes 0.00033 and 0.00010; TOPMed 0.00048; ESP Exome Variant Server 0.00008.
gnomAD v4.1: 183 of 1,532,718 alleles (0.012%); highest among the groups gnomAD compares: Admixed American, 0.19%; no homozygotes.

Submissions (6):

Labcorp Genetics (formerly Invitae), Labcorp
Classification: Benign for Fanconi anemia. Last evaluated: 2026-01-22. Review status: criteria provided, single submitter. Criteria: Invitae Variant Classification Sherloc (09022015). Collection method: clinical testing. Allele origin: germline.

Blueprint Genetics
Classification: Likely benign. Last evaluated: 2024-08-26. Review status: criteria provided, single submitter. Criteria: ACMG Guidelines, 2015. Collection method: clinical testing. Allele origin: germline.

ARUP Laboratories, Molecular Genetics and Genomics, ARUP Laboratories
Classification: Benign for Fanconi anemia complementation group D2. Last evaluated: 2024-06-12. Review status: criteria provided, single submitter. Criteria: ARUP Molecular Germline Variant Investigation Process 2024. Collection method: clinical testing. Allele origin: germline.

Illumina Laboratory Services, Illumina
Classification: Uncertain significance for Fanconi anemia complementation group D2. Last evaluated: 2018-02-16. Review status: criteria provided, single submitter. Criteria: ICSL Variant Classification Criteria 13 December 2019. Collection method: clinical testing. Allele origin: germline.

Genetic Services Laboratory, University of Chicago
Classification: Likely benign. Last evaluated: 2022-09-23. Review status: no assertion criteria provided. Collection method: clinical testing. Allele origin: germline. Affected: no. Not counted in ClinVar's aggregate classification.

PreventionGenetics, part of Exact Sciences
Classification: Likely benign for FANCD2-related condition. Last evaluated: 2020-09-30. Review status: no assertion criteria provided. Collection method: clinical testing. Allele origin: germline. Not counted in ClinVar's aggregate classification.
Comment: This variant is classified as likely benign based on ACMG/AMP sequence variant interpretation guidelines (Richards et al. 2015 PMID: 25741868, with internal and published modifications).